The following is an entry in ClinVar:

ClinVar aggregate classification (germline): Conflicting classifications of pathogenicity. Review status: criteria provided, conflicting classifications (1 of 4 stars). 7 submissions from 7 submitters: Uncertain significance (1); Benign (1); Likely benign (3). 2 of the submissions do not count toward it. Last evaluated 2026-01-25.

Conditions:
Polycystic kidney disease 4 (PKD4). Also called: POLYCYSTIC KIDNEY AND HEPATIC DISEASE 1; POLYCYSTIC KIDNEY DISEASE, INFANTILE, TYPE I; Autosomal Recessive Polycystic Kidney Disease – PKHD1; POLYCYSTIC KIDNEY DISEASE 4 WITH OR WITHOUT POLYCYSTIC LIVER DISEASE; PKD3. Identifiers: MedGen C4540575, MONDO:0033004, OMIM 263200.
PKHD1-related disorder. Also called: PKHD1-related condition.
Autosomal recessive polycystic kidney disease (ARPKD). Also called: AR polycystic kidney disease. Identifiers: Orphanet 731, Orphanet 8378, MedGen C0085548, MeSH D017044, MONDO:0009889.

Allele frequency attached by ClinVar (database versions not stated): ExAC 0.00082; 1000 Genomes Project 30x 0.00219; 1000 Genomes Project 0.00240; gnomAD 0.00006 and 0.00028; TOPMed 0.00008; gnomAD exomes 0.00034 and 0.00066.
gnomAD v4.1: 551 of 1,614,148 alleles (0.034%); highest among the groups gnomAD compares: South Asian, 0.5%; 2 homozygotes.

Submissions (7):

Labcorp Genetics (formerly Invitae), Labcorp
Classification: Benign for Autosomal recessive polycystic kidney disease. Last evaluated: 2026-01-25. Review status: criteria provided, single submitter. Criteria: Invitae Variant Classification Sherloc (09022015). Collection method: clinical testing. Allele origin: germline.

Blueprint Genetics
Classification: Likely benign. Last evaluated: 2024-11-18. Review status: criteria provided, single submitter. Criteria: ACMG Guidelines, 2015. Collection method: clinical testing. Allele origin: germline.

Genome-Nilou Lab
Classification: Likely benign for Polycystic kidney disease 4. Last evaluated: 2021-05-18. Review status: criteria provided, single submitter. Criteria: ACMG Guidelines, 2015. Collection method: clinical testing. Allele origin: germline. Affected: no.

Eurofins Ntd Llc (ga)
Classification: Likely benign. Last evaluated: 2018-05-04. Review status: criteria provided, single submitter. Criteria: EGL ClinVar v180209 classification definitions. Collection method: clinical testing. Allele origin: germline. Observed: 1 variant allele, 1 heterozygote.

Illumina Laboratory Services, Illumina
Classification: Uncertain significance for Polycystic kidney disease 4. Last evaluated: 2018-01-12. Review status: criteria provided, single submitter. Criteria: ICSL Variant Classification Criteria 13 December 2019. Collection method: clinical testing. Allele origin: germline.

PreventionGenetics, part of Exact Sciences
Classification: Likely benign for PKHD1-related condition. Last evaluated: 2021-04-05. Review status: no assertion criteria provided. Collection method: clinical testing. Allele origin: germline. Not counted in ClinVar's aggregate classification.
Comment: This variant is classified as likely benign based on ACMG/AMP sequence variant interpretation guidelines (Richards et al. 2015 PMID: 25741868, with internal and published modifications).

Natera, Inc.
Classification: Likely benign for Autosomal recessive polycystic kidney disease. Last evaluated: 2017-05-11. Review status: no assertion criteria provided. Collection method: clinical testing. Allele origin: germline. Not counted in ClinVar's aggregate classification.

NM_138694.4(PKHD1):c.5112C>T (p.Cys1704=)

Genes: PKHD1 (PKHD1 ciliary IPT domain containing fibrocystin/polyductin; minus strand), LOC126859690 (MED14-independent group 3 enhancer GRCh37_chr6:51888848-51890047; plus strand). Cytogenetic location: 6p12.2.
Variant type: single nucleotide variant.
Coding change: c.5112C>T on transcript NM_138694.4 (MANE Select); coding-DNA position 5112, C replaced by T.
Protein change: p.Cys1704=; no amino-acid change (cysteine 1704 retained).
Molecular consequence: synonymous variant.
Genome position (GRCh38, 1-based): chr6:52,024,698, G>A on the plus strand (C>T on the coding strand, the complement: PKHD1 is on the minus strand). VCF-style: chr6-52024698-G-A. GRCh37 (hg19) VCF-style: chr6-51889496-G-A.
Other names: c.5112C>T, p.Cys1704= (NM_170724.3).
Identifiers: ClinVar variation 357437 (VCV000357437.28), dbSNP rs202010726, ClinGen allele CA3852614.